The following is an entry in ClinVar:

ClinVar aggregate classification (germline): Pathogenic/Likely pathogenic. Review status: criteria provided, multiple submitters, no conflicts (2 of 4 stars). 2 submissions from 2 submitters: Pathogenic (1); Likely pathogenic (1). Last evaluated 2023-10-29.

Conditions:
Ethylmalonic encephalopathy (EE). Also called: EPEMA syndrome; Encephalopathy, petechiae, and ethylmalonic aciduria; Syndrome of encephalopathy, petechiae, and ethylmalonic aciduria. Identifiers: Orphanet 51188, MedGen C1865349, MONDO:0011229, OMIM 602473. Disease mechanism: loss of function.

gnomAD v4.1: 1 of 1,613,652 alleles (0.000062%); highest among the groups gnomAD compares: Admixed American, 0.0017%; no homozygotes.

Submissions (2):

Labcorp Genetics (formerly Invitae), Labcorp
Classification: Likely pathogenic for Ethylmalonic encephalopathy. Last evaluated: 2023-10-29. Review status: criteria provided, single submitter. Criteria: Invitae Variant Classification Sherloc (09022015). Collection method: clinical testing. Allele origin: germline.
Comment: This sequence change affects an acceptor splice site in intron 5 of the ETHE1 gene. It is expected to disrupt RNA splicing. Variants that disrupt the donor or acceptor splice site typically lead to a loss of protein function (PMID: 16199547), and loss-of-function variants in ETHE1 are known to be pathogenic (PMID: 14732903, 19136963). This variant is present in population databases (no rsID available, gnomAD 0.003%). This variant has not been reported in the literature in individuals affected with ETHE1-related conditions. ClinVar contains an entry for this variant (Variation ID: 1936675). Algorithms developed to predict the effect of sequence changes on RNA splicing suggest that this variant may disrupt the consensus splice site. In summary, the currently available evidence indicates that the variant is pathogenic, but additional data are needed to prove that conclusively. Therefore, this variant has been classified as Likely Pathogenic.

Baylor Genetics
Classification: Pathogenic for Ethylmalonic encephalopathy. Last evaluated: 2023-03-22. Review status: criteria provided, single submitter. Criteria: ACMG Guidelines, 2015. Collection method: clinical testing. Allele origin: unknown.

Literature cited by the submitters: PubMed 16199547 (cited by Labcorp Genetics (formerly Invitae), Labcorp); PubMed 14732903 (cited by Labcorp Genetics (formerly Invitae), Labcorp); PubMed 19136963 (cited by Labcorp Genetics (formerly Invitae), Labcorp).

NM_014297.5(ETHE1):c.596-1G>A

Gene: ETHE1 (ETHE1 persulfide dioxygenase; minus strand). Cytogenetic location: 19q13.31.
Variant type: single nucleotide variant.
Coding change: c.596-1G>A on transcript NM_014297.5 (MANE Select); the canonical splice acceptor site of the intron before coding-DNA position 596, G replaced by A.
Molecular consequence: splice acceptor variant.
Genome position (GRCh38, 1-based): chr19:43,508,061, C>T on the plus strand (G>A on the coding strand, the complement: ETHE1 is on the minus strand). VCF-style: chr19-43508061-C-T. GRCh37 (hg19) VCF-style: chr19-44012213-C-T.
Other names: c.302-1G>A (NM_001320869.2); c.227-1G>A (NM_001320868.2); c.563-1G>A (NM_001320867.2).
Identifiers: ClinVar variation 1936675 (VCV001936675.6), dbSNP rs1487930609, ClinGen allele CA406175081.